The following is an entry in ClinVar:

NM_014915.3(ANKRD26):c.4249G>C (p.Gly1417Arg)

Gene: ANKRD26 (ankyrin repeat domain 26; minus strand). Cytogenetic location: 10p12.1.
Variant type: single nucleotide variant.
Coding change: c.4249G>C on transcript NM_014915.3 (MANE Select); coding-DNA position 4249, G replaced by C.
Protein change: p.Gly1417Arg; replaces glycine 1417 with arginine.
Molecular consequence: missense variant.
Genome position (GRCh38, 1-based): chr10:27,017,759, C>G on the plus strand (G>C on the coding strand, the complement: ANKRD26 is on the minus strand). VCF-style: chr10-27017759-C-G. GRCh37 (hg19) VCF-style: chr10-27306688-C-G.
Other names: c.4246G>C, p.Gly1416Arg (NM_001256053.2); short protein forms G1416R, G1417R.
Identifiers: ClinVar variation 1691546 (VCV001691546.9), dbSNP rs764763153, ClinGen allele CA5447822.

ClinVar aggregate classification (germline): Uncertain significance. Review status: criteria provided, multiple submitters, no conflicts (2 of 4 stars). 4 submissions from 4 submitters: Uncertain significance (4). Last evaluated 2025-12-06.

Conditions:
Inborn genetic diseases. Identifiers: MedGen C0950123, MeSH D030342.
Thrombocytopenia 2 (THC2). Also called: ANKRD26-Related Thrombocytopenia. Identifiers: Orphanet 268322, MedGen C1861185, MONDO:0008555, OMIM 188000.

Allele frequency attached by ClinVar (database versions not stated): ExAC 0.00002; gnomAD exomes 0.00002 and 0.00003; TOPMed 0.00003; gnomAD 0.00005.
gnomAD v4.1: 32 of 1,612,882 alleles (0.002%); highest among the groups gnomAD compares: Admixed American, 0.017%; no homozygotes.

Submissions (4):

Labcorp Genetics (formerly Invitae), Labcorp
Classification: Uncertain significance. Last evaluated: 2025-12-06. Review status: criteria provided, single submitter. Criteria: Invitae Variant Classification Sherloc (09022015). Collection method: clinical testing. Allele origin: germline.
Comment: This sequence change replaces glycine, which is neutral and non-polar, with arginine, which is basic and polar, at codon 1417 of the ANKRD26 protein (p.Gly1417Arg). This variant is present in population databases (rs764763153, gnomAD 0.009%). This variant has not been reported in the literature in individuals affected with ANKRD26-related conditions. ClinVar contains an entry for this variant (Variation ID: 1691546). An algorithm developed to predict the effect of missense changes on protein structure and function (PolyPhen-2) suggests that this variant is likely to be tolerated. In summary, the available evidence is currently insufficient to determine the role of this variant in disease. Therefore, it has been classified as a Variant of Uncertain Significance.

GeneDx
Classification: Uncertain significance. Last evaluated: 2025-05-02. Review status: criteria provided, single submitter. Criteria: GeneDx Variant Classification Process June 2021. Collection method: clinical testing. Allele origin: germline. Affected: yes.
Comment: In silico analysis suggests that this missense variant does not alter protein structure/function; Has not been previously published as pathogenic or benign to our knowledge

Ambry Genetics
Classification: Uncertain significance for Inborn genetic diseases. Last evaluated: 2024-12-02. Review status: criteria provided, single submitter. Criteria: Ambry Variant Classification Scheme 2023. Collection method: clinical testing. Allele origin: germline.
Comment: The p.G1417R variant (also known as c.4249G>C), located in coding exon 30 of the ANKRD26 gene, results from a G to C substitution at nucleotide position 4249. The glycine at codon 1417 is replaced by arginine, an amino acid with dissimilar properties. This amino acid position is conserved. In addition, this alteration is predicted to be tolerated by in silico analysis. Based on the available evidence, the clinical significance of this variant remains unclear.

St. Jude Molecular Pathology, St. Jude Children's Research Hospital
Classification: Uncertain significance for Thrombocytopenia 2. Last evaluated: 2022-01-06. Review status: criteria provided, single submitter. Criteria: St. Jude Assertion Criteria 2020. Collection method: clinical testing. Allele origin: germline.
Comment: The ANKRD26 c.4249G>C (p.Gly1417Arg) missense change has a maximum subpopulation frequency of 0.0087% in gnomAD v2.1.1. This variant is not located in the 5’ UTR. Six of six in silico tools predict a benign effect of this variant on protein function (BP4), but these predictions have not been confirmed by functional studies. To our knowledge, this variant has not been reported in individuals with ANKRD26-related thrombocytopenia. In summary, this variant meets criteria to be classified as of uncertain significance based on the ACMG/AMP criteria: BP4.